The following is an entry in ClinVar:

NM_006420.3(ARFGEF2):c.4763C>T (p.Thr1588Met)

Gene: ARFGEF2 (ARF guanine nucleotide exchange factor 2; plus strand). Cytogenetic location: 20q13.13.
Variant type: single nucleotide variant.
Coding change: c.4763C>T on transcript NM_006420.3 (MANE Select); coding-DNA position 4763, C replaced by T.
Protein change: p.Thr1588Met; replaces threonine 1588 with methionine.
Molecular consequence: missense variant.
Genome position (GRCh38, 1-based): chr20:49,025,320, C>T. VCF-style: chr20-49025320-C-T. GRCh37 (hg19) VCF-style: chr20-47641857-C-T.
Other names: c.4760C>T, p.Thr1587Met (NM_001410846.1); short protein forms T1587M, T1588M.
Identifiers: ClinVar variation 4682271 (VCV004682271.1).

ClinVar aggregate classification (germline): Uncertain significance (1 of 4 stars; one submission).

gnomAD v4.1: 13 of 1,610,282 alleles (0.00081%); highest among the groups gnomAD compares: Admixed American, 0.0017%; no homozygotes.

Submission:

Athena Diagnostics
Classification: Uncertain significance. Last evaluated: 2025-06-04. Review status: criteria provided, single submitter. Criteria: Athena Diagnostics Criteria. Collection method: clinical testing. Allele origin: unknown.
Comment: Available data are insufficient to determine the clinical significance of the variant at this time. The frequency of this variant in the general population is uninformative in assessment of its pathogenicity. Polyphen and MutationTaster predict this amino acid change may be benign.